The following is an entry in ClinVar:

NM_019066.5(MAGEL2):c.1383_1445dup (p.Pro483_Pro484insAlaValIleArgGlnAlaProProValIleArgGlnAlaProProValIleArgGlnAlaPro)

Gene: MAGEL2 (MAGE family member L2; minus strand). Cytogenetic location: 15q11.2.
Variant type: Duplication.
Coding change: c.1383_1445dup on transcript NM_019066.5 (MANE Select); coding-DNA positions 1383 to 1445, 63 bases duplicated.
Protein change: p.Pro483_Pro484insAlaValIleArgGlnAlaProProValIleArgGlnAlaProProValIleArgGlnAlaPro.
Genome position (GRCh38, 1-based): chr15:23,646,298-23,646,360, 63 bases duplicated. GRCh37 (hg19): chr15:23,891,459-23,891,521.
Identifiers: ClinVar variation 3651282 (VCV003651282.2).

ClinVar aggregate classification (germline): Uncertain significance (1 of 4 stars; one submission).

Submission:

Labcorp Genetics (formerly Invitae), Labcorp
Classification: Uncertain significance. Last evaluated: 2024-05-09. Review status: criteria provided, single submitter. Criteria: Invitae Variant Classification Sherloc (09022015). Collection method: clinical testing. Allele origin: germline.
Comment: This variant, c.1383_1445dup, results in the insertion of 21 amino acid(s) of the MAGEL2 protein (p.Ala463_Pro483dup), but otherwise preserves the integrity of the reading frame. This variant is not present in population databases (gnomAD no frequency). This variant has not been reported in the literature in individuals affected with MAGEL2-related conditions. In summary, the available evidence is currently insufficient to determine the role of this variant in disease. Therefore, it has been classified as a Variant of Uncertain Significance.